The following is an entry in ClinVar:

NM_000030.3(AGXT):c.883G>A (p.Ala295Thr)

Gene: AGXT (alanine--glyoxylate aminotransferase; plus strand). Cytogenetic location: 2q37.3.
Variant type: single nucleotide variant.
Coding change: c.883G>A on transcript NM_000030.3 (MANE Select); coding-DNA position 883, G replaced by A.
Protein change: p.Ala295Thr; replaces alanine 295 with threonine.
Molecular consequence: missense variant.
Genome position (GRCh38, 1-based): chr2:240,877,573, G>A. VCF-style: chr2-240877573-G-A. GRCh37 (hg19) VCF-style: chr2-241816990-G-A.
Other names: short protein forms A295T.
Identifiers: ClinVar variation 204056 (VCV000204056.21), dbSNP rs13408961, ClinGen allele CA275599.
Genomic context (GRCh38, chr2:240,877,573, plus strand): 5'-CCACCAGCGCCATCTCCCACACAGGGCCTGGAGAACAGCTGGCGCCAGCACCGCGAGGCC[G>A]CGGCGTATCTGCATGGGCGCCTGCAGGCACTGGGGCTGCAGCTCTTCGTGAAGGACCCGG-3'
Protein context (NP_000021.1, residues 285-305): ENSWRQHREA[Ala295Thr]AYLHGRLQAL

ClinVar aggregate classification (germline): Benign/Likely benign. Review status: criteria provided, multiple submitters, no conflicts (2 of 4 stars). 11 submissions from 11 submitters: Benign (6); Likely benign (2). 3 of the submissions do not count toward it. Last evaluated 2026-02-04.

Conditions:
Primary hyperoxaluria, type I (HP1). Also called: GLYCOLIC ACIDURIA; HEPATIC AGT DEFICIENCY; OXALOSIS I; Primary hyperoxaluria type 1. Identifiers: Orphanet 416, Orphanet 93598, MedGen C0268164, MONDO:0009823, OMIM 259900. Disease mechanism: loss of function.

Allele frequency attached by ClinVar (database versions not stated): ExAC 0.01346; gnomAD exomes 0.00285 and 0.00667; ESP Exome Variant Server 0.02347; TOPMed 0.02480; 1000 Genomes Project 0.02456; 1000 Genomes Project 30x 0.02701; gnomAD 0.02312 and 0.02475.

Submissions (11):

Labcorp Genetics (formerly Invitae), Labcorp
Classification: Benign. Last evaluated: 2026-02-04. Review status: criteria provided, single submitter. Criteria: Invitae Variant Classification Sherloc (09022015). Collection method: clinical testing. Allele origin: germline.

Mayo Clinic Laboratories, Mayo Clinic
Classification: Benign. Last evaluated: 2024-12-06. Review status: criteria provided, single submitter. Criteria: ACMG Guidelines, 2015. Collection method: clinical testing. Allele origin: germline. Observed: 5 variant alleles.
Comment: BA1, BP4_strong

Blueprint Genetics
Classification: Likely benign. Last evaluated: 2024-11-26. Review status: criteria provided, single submitter. Criteria: ACMG Guidelines, 2015. Collection method: clinical testing. Allele origin: germline.

ARUP Laboratories, Molecular Genetics and Genomics, ARUP Laboratories
Classification: Benign for Primary hyperoxaluria, type I. Last evaluated: 2023-09-22. Review status: criteria provided, single submitter. Criteria: ARUP Molecular Germline Variant Investigation Process 2024. Collection method: clinical testing. Allele origin: germline.

Women's Health and Genetics/Laboratory Corporation of America, LabCorp
Classification: Likely benign. Last evaluated: 2022-02-17. Review status: criteria provided, single submitter. Criteria: LabCorp Variant Classification Summary - May 2015. Collection method: clinical testing. Allele origin: germline.

GeneDx
Classification: Benign. Last evaluated: 2020-03-05. Review status: criteria provided, single submitter. Criteria: GeneDx Variant Classification Process June 2021. Collection method: clinical testing. Allele origin: germline. Affected: yes.
Comment: This variant is associated with the following publications: (PMID: 28492530, 29590070, 27884173, 24205397)

Illumina Laboratory Services, Illumina
Classification: Benign for Primary hyperoxaluria, type I. Last evaluated: 2018-01-13. Review status: criteria provided, single submitter. Criteria: ICSL Variant Classification Criteria 13 December 2019. Collection method: clinical testing. Allele origin: germline.
Comment: This variant was observed in the ICSL laboratory as part of a predisposition screen in an ostensibly healthy population. It had not been previously curated by ICSL or reported in the Human Gene Mutation Database (HGMD: prior to June 1st, 2018), and was therefore a candidate for classification through an automated scoring system. Utilizing variant allele frequency, disease prevalence and penetrance estimates, and inheritance mode, an automated score was calculated to assess if this variant is too frequent to cause the disease. Based on the score and internal cut-off values, a variant classified as benign is not then subjected to further curation. The score for this variant resulted in a classification of benign for this disease.

Center for Pediatric Genomic Medicine, Children's Mercy Hospital and Clinics
Classification: Benign. Last evaluated: 2016-09-01. Review status: criteria provided, single submitter. Criteria: ACMG Guidelines, 2015. Collection method: clinical testing. Allele origin: germline.

Natera, Inc.
Classification: Benign for Primary hyperoxaluria type I. Last evaluated: 2020-09-16. Review status: no assertion criteria provided. Collection method: clinical testing. Allele origin: germline. Not counted in ClinVar's aggregate classification.

Center for Precision Medicine, Vanderbilt University Medical Center
Classification: Uncertain significance for Primary hyperoxaluria, type I. Last evaluated: 2018-03-16. Review status: flagged submission. Criteria: ACMG Guidelines, 2015. Collection method: research. Allele origin: germline. Inheritance: Autosomal recessive inheritance. Observed: 36 variant alleles, 35 heterozygotes, 1 homozygote. Clinical features observed: peripheral arterial disease, atherosclerosis of extremities with intermittent claudication, urinary calculus, pathologic fracture, acidosis, renal failure, peripheral vascular diseases, gangrene, pallor and flushing, nondiabetic retinopathy, AV block, peripheral neuropathy, and 1 more. Not counted in ClinVar's aggregate classification.
ClinVar note: Reason: Outlier claim with insufficient supporting evidence

Clinical Biochemistry Laboratory, Health Services Laboratory
Classification: Uncertain significance for Primary hyperoxaluria, type I. Last evaluated: 2014-11-27. Review status: flagged submission. Collection method: research. Allele origin: germline. Affected: yes. Not counted in ClinVar's aggregate classification.
ClinVar note: Reason: Older and outlier claim with insufficient supporting evidence